The following is an entry in ClinVar:

ClinVar aggregate classification (germline): Pathogenic. Review status: criteria provided, multiple submitters, no conflicts (2 of 4 stars). 16 submissions from 15 submitters: Pathogenic (10). 6 of the submissions do not count toward it. Last evaluated 2026-01-20.

Conditions:
RAD51C-related cancer predisposition. Identifiers: MedGen CN377762, MONDO:0700273.
RAD51C-related disorder. Also called: RAD51C-related disorders; RAD51C-related condition.
Inherited breast cancer and ovarian cancer.
Breast and/or ovarian cancer. Identifiers: MedGen CN221562.
Hereditary cancer-predisposing syndrome. Also called: Neoplastic Syndromes, Hereditary; Hereditary neoplastic syndrome; Tumor predisposition; Hereditary Cancer Syndrome. Identifiers: Orphanet 140162, MedGen C0027672, MeSH D009386, MONDO:0015356.
Fanconi anemia complementation group O. Also called: RAD51C-Related Fanconi Anemia. Identifiers: Orphanet 84, MedGen C3150653, MONDO:0013248, OMIM 613390.
Breast-ovarian cancer, familial, susceptibility to, 3. Also called: RAD51C-Related Breast/Ovarian Cancer. Identifiers: Orphanet 145, MedGen C3150659, MONDO:0013253, OMIM 613399.
Hereditary breast ovarian cancer syndrome. Also called: BRCA1- and BRCA2-Associated Hereditary Breast and Ovarian Cancer; Hereditary breast and ovarian cancer; Hereditary breast and ovarian cancer syndrome (HBOC); Breast and ovarian cancer; Hereditary breast and ovarian cancer syndrome; Hereditary breast and/or ovarian cancer syndrome. Identifiers: Orphanet 145, MedGen C0677776, MeSH D061325, MONDO:0003582. Disease mechanism: loss of function.

Allele frequency attached by ClinVar (database versions not stated): ExAC 0.00001.
gnomAD v4.1: 14 of 1,610,312 alleles (0.00087%); highest among the groups gnomAD compares: Non-Finnish European, 0.001%; no homozygotes.

Submissions 1 to 12 of 16:

Labcorp Genetics (formerly Invitae), Labcorp
Classification: Pathogenic for Fanconi anemia complementation group O. Last evaluated: 2026-01-20. Review status: criteria provided, single submitter. Criteria: Invitae Variant Classification Sherloc (09022015). Collection method: clinical testing. Allele origin: germline.
Comment: This sequence change creates a premature translational stop signal (p.Gln133*) in the RAD51C gene. It is expected to result in an absent or disrupted protein product. Loss-of-function variants in RAD51C are known to be pathogenic (PMID: 20400964, 21990120, 24800917, 29278735). This variant is present in population databases (rs387907159, gnomAD 0.0009%). This premature translational stop signal has been observed in individual(s) with breast and/or ovarian cancer (PMID: 21990120, 22538716). ClinVar contains an entry for this variant (Variation ID: 31556). For these reasons, this variant has been classified as Pathogenic.

Genetics Laboratory, Great Ormond Street Hospital NHS Foundation Trust, North Thames Genomic Laboratory Hub
Classification: Pathogenic for Inherited breast cancer and ovarian cancer. Last evaluated: 2025-11-17. Review status: criteria provided, single submitter. Criteria: CanVIG RAD51CD Gene Specific V1.2. Collection method: clinical testing. Allele origin: germline. Affected: yes.
Comment: PM2_supporting, PS1_very-strong, PM5_supporting

Ambry Genetics
Classification: Pathogenic for Hereditary cancer-predisposing syndrome. Last evaluated: 2025-07-03. Review status: criteria provided, single submitter. Criteria: Ambry Variant Classification Scheme 2023. Collection method: clinical testing. Allele origin: germline.
Comment: The p.Q133* pathogenic mutation (also known as c.397C>T), located in coding exon 2 of the RAD51C gene, results from a C to T substitution at nucleotide position 397. This changes the amino acid from a glutamine to a stop codon within coding exon 2. This mutation has been identified in multiple breast and/or ovarian cancer families (Thompson ER et al. Hum. Mutat. 2012 Jan;33:95-9; Loveday C et al. Nat. Genet. 2012 Apr;44:475-6; author reply 476; Crawford B et al. Breast Cancer Res. Treat. 2017 Jun;163:383-390) and in a pancreatic cancer patient (Hu C et al. JAMA. 2018 06;319:2401-2409). This variant is considered to be rare based on population cohorts in the Genome Aggregation Database (gnomAD). This alteration is expected to result in loss of function by premature protein truncation or nonsense-mediated mRNA decay. As such, this alteration is interpreted as a disease-causing mutation.

Victorian Clinical Genetics Services, Murdoch Childrens Research Institute
Classification: Pathogenic for RAD51C-related cancer predisposition. Last evaluated: 2024-11-10. Review status: criteria provided, single submitter. Criteria: ACMG Guidelines, 2015. Collection method: clinical testing. Allele origin: germline.
Comment: This variant is classified as Pathogenic. Evidence in support of pathogenic classification: Variant is predicted to cause nonsense-mediated decay (NMD) and loss of protein (premature termination codon is located at least 54 nucleotides upstream of the final exon-exon junction); Variant is present in gnomAD <0.01 (v4: 14 heterozygote(s), 0 homozygote(s)); This variant has strong previous evidence of pathogenicity in unrelated individuals. It has been classified as pathogenic by multiple clinical laboratories (ClinVar); Other NMD-predicted variant(s) comparable to the one identified in this case have very strong previous evidence for pathogenicity (DECIPHER). Additional information: This variant is heterozygous; This gene is associated with both recessive and dominant disease. Fanconi anaemia, complementation group O is associated with autosomal recessive inheritance, while susceptibility to familial Breast-ovarian cancer 3 is associated with autosomal dominant inheritance (OMIM, PanelApp Australia); Loss of function is a known mechanism of disease in this gene and is associated with fanconi anaemia, complementation group O (MIM#613390) and susceptibility to familial Breast-ovarian cancer 3 (MIM#613399); Inheritance information for this variant is not currently available in this individual.

GeneDx
Classification: Pathogenic. Last evaluated: 2024-07-30. Review status: criteria provided, single submitter. Criteria: GeneDx Variant Classification Process June 2021. Collection method: clinical testing. Allele origin: germline. Affected: yes.
Comment: Nonsense variant predicted to result in protein truncation or nonsense mediated decay in a gene for which loss of function is a known mechanism of disease; Not observed at significant frequency in large population cohorts (gnomAD); This variant is associated with the following publications: (PMID: 29922827, 28888541, 22538716, 25470109, 21990120, 28281021, 23117857, 32885271, 33804961, 29625052, 34887416, 36451132, 31784482)

Women's Health and Genetics/Laboratory Corporation of America, LabCorp
Classification: Pathogenic for Hereditary breast ovarian cancer syndrome. Last evaluated: 2024-03-08. Review status: criteria provided, single submitter. Criteria: LabCorp Variant Classification Summary - May 2015. Collection method: clinical testing. Allele origin: germline.
Comment: Variant summary: RAD51C c.397C>T (p.Gln133X) results in a premature termination codon, predicted to cause a truncation of the encoded protein or absence of the protein due to nonsense mediated decay, which are commonly known mechanisms for disease. The variant allele was found at a frequency of 4e-06 in 250888 control chromosomes (gnomAD). c.397C>T has been reported in the literature in multiple individuals affected with Hereditary Breast and Ovarian Cancer (examples: Hu_2018, Loveday_2012, Thompson_2011) including a family in which an unaffected individual carried the variant suggesting reduced penetrance (Thompson_2011). These data indicate that the variant is very likely to be associated with disease. The following publications have been ascertained in the context of this evaluation (PMID: 29922827, 22538716, 21990120). ClinVar contains an entry for this variant (Variation ID: 31556). Based on the evidence outlined above, the variant was classified as pathogenic.

Baylor Genetics
Classification: Pathogenic for Breast-ovarian cancer, familial, susceptibility to, 3. Last evaluated: 2023-09-10. Review status: criteria provided, single submitter. Criteria: ACMG Guidelines, 2015. Collection method: clinical testing. Allele origin: unknown.

Myriad Genetics, Inc.
Classification: Pathogenic for Breast-ovarian cancer, familial, susceptibility to, 3. Last evaluated: 2023-04-06. Review status: criteria provided, single submitter. Criteria: Myriad Autosomal Dominant, Autosomal Recessive and X-Linked Classification Criteria (2023). Collection method: clinical testing. Allele origin: unknown.
Comment: This variant is considered pathogenic. This variant creates a termination codon and is predicted to result in premature protein truncation.

CHEO Genetics Diagnostic Laboratory, Children's Hospital of Eastern Ontario
Classification: Pathogenic for Breast and/or ovarian cancer. Last evaluated: 2021-11-07. Review status: criteria provided, single submitter. Criteria: ACMG Guidelines, 2015. Collection method: clinical testing. Allele origin: germline.

Color Diagnostics, LLC DBA Color Health
Classification: Pathogenic for Hereditary cancer-predisposing syndrome. Last evaluated: 2020-01-15. Review status: criteria provided, single submitter. Criteria: ACMG Guidelines, 2015. Collection method: clinical testing. Allele origin: germline.
Comment: This variant changes 1 nucleotide in exon 2 of the RAD51C gene, creating a premature translation stop signal. This variant is expected to result in an absent or non-functional protein product. This variant has been identified in 1/247914 chromosomes in the general population by the Genome Aggregation Database (gnomAD). Loss of RAD51C function is a known mechanism of disease. Based on the available evidence, this variant is classified as Pathogenic.

PreventionGenetics, part of Exact Sciences
Classification: Pathogenic for RAD51C-related condition. Last evaluated: 2024-08-26. Review status: no assertion criteria provided. Collection method: clinical testing. Allele origin: germline. Not counted in ClinVar's aggregate classification.
Comment: The RAD51C c.397C>T variant is predicted to result in premature protein termination (p.Gln133*). This variant has been reported in families and individuals with breast and/or ovarian cancer (Loveday et al. 2012. PubMed ID: 22538716; Thompson et al. 2012. PubMed ID: 21990120) and in an pancreatic cancer (eTable 3, Hu et al. 2018. PubMed ID: 29922827). This variant is reported in 0.00089% of alleles in individuals of European (non-Finnish) descent in gnomAD and is reported as pathogenic in ClinVar. Nonsense variants in RAD51C are expected to be pathogenic. This variant is interpreted as pathogenic.

Counsyl
Classification: Pathogenic for Fanconi anemia complementation group O. Last evaluated: 2016-06-08. Review status: no assertion criteria provided. Collection method: clinical testing. Allele origin: unknown. Not counted in ClinVar's aggregate classification.

NM_058216.3(RAD51C):c.397C>T (p.Gln133Ter)

Gene: RAD51C (RAD51 paralog C; plus strand). Cytogenetic location: 17q22.
Variant type: single nucleotide variant.
Coding change: c.397C>T on transcript NM_058216.3 (MANE Select); coding-DNA position 397, C replaced by T.
Protein change: p.Gln133Ter; replaces glutamine 133 with a stop codon.
Molecular consequence: nonsense. On other transcripts: non-coding transcript variant (2).
Genome position (GRCh38, 1-based): chr17:58,695,182, C>T. VCF-style: chr17-58695182-C-T. GRCh37 (hg19) VCF-style: chr17-56772543-C-T.
Other names: c.397C>T, p.Gln133Ter (NM_002876.4); short protein forms Q133*.
Identifiers: ClinVar variation 31556 (VCV000031556.40), dbSNP rs387907159, ClinGen allele CA325658.